The following is an entry in ClinVar:

ClinVar aggregate classification (germline): Likely benign (1 of 4 stars; one submission).

gnomAD v4.1: 11 of 1,612,462 alleles (0.00068%); highest among the groups gnomAD compares: African/African-American, 0.0013%; no homozygotes.

Submission:

GeneDx
Classification: Likely benign. Last evaluated: 2018-03-13. Review status: criteria provided, single submitter. Criteria: GeneDx Variant Classification (06012015). Collection method: clinical testing. Allele origin: germline. Affected: yes.
Comment: This variant is considered likely benign or benign based on one or more of the following criteria: it is a conservative change, it occurs at a poorly conserved position in the protein, it is predicted to be benign by multiple in silico algorithms, and/or has population frequency not consistent with disease.

NM_000088.4(COL1A1):c.2560-18C>T

Gene: COL1A1 (collagen type I alpha 1 chain; minus strand). Cytogenetic location: 17q21.33.
Variant type: single nucleotide variant.
Coding change: c.2560-18C>T on transcript NM_000088.4 (MANE Select); 18 bases into the intron before coding-DNA position 2560, C replaced by T.
Molecular consequence: intron variant.
Genome position (GRCh38, 1-based): chr17:50,189,930, G>A on the plus strand (C>T on the coding strand, the complement: COL1A1 is on the minus strand). VCF-style: chr17-50189930-G-A. GRCh37 (hg19) VCF-style: chr17-48267291-G-A.
Identifiers: ClinVar variation 516254 (VCV000516254.1), dbSNP rs2075559, ClinGen allele CA658798893.
Genomic context (GRCh38, chr17:50,189,930, plus strand): 5'-CGCTGCCGCGAGCACCTTTGGCTCCAGGAGCACCAACATTACCCTGTAGGAGAGCACAGA[G>A]GCATCAAGCCTGGACCCGTCCTGGGTCCCAGCCCACCAGCCTCGTGGGCACAGAGGGCCA-3'